The following is an entry in ClinVar:

ClinVar aggregate classification (germline): Uncertain significance. Review status: criteria provided, multiple submitters, no conflicts (2 of 4 stars). 2 submissions from 2 submitters: Uncertain significance (2). Last evaluated 2023-08-02.

Conditions:
DENND4B-related disorder. Also called: DENND4B-related condition.

Allele frequency attached by ClinVar (database versions not stated): gnomAD 0.00003; gnomAD exomes 0.00003; TOPMed 0.00003; ExAC 0.00004.
gnomAD v4.1: 47 of 1,567,700 alleles (0.003%); highest among the groups gnomAD compares: African/African-American, 0.0041%; no homozygotes.

Submissions (2):

Ambry Genetics
Classification: Uncertain significance. Last evaluated: 2023-08-02. Review status: criteria provided, single submitter. Criteria: Ambry Variant Classification Scheme 2023. Collection method: clinical testing. Allele origin: germline.

PreventionGenetics, part of Exact Sciences
Classification: Uncertain significance for DENND4B-related condition. Last evaluated: 2022-11-04. Review status: criteria provided, single submitter. Criteria: ACMG Guidelines, 2015. Collection method: clinical testing. Allele origin: germline.
Comment: The DENND4B c.307G>A variant is predicted to result in the amino acid substitution p.Val103Ile. To our knowledge, this variant has not been reported in the literature. This variant is reported in 0.0085% of alleles in individuals of African descent in gnomAD. At this time, the clinical significance of this variant is uncertain due to the absence of conclusive functional and genetic evidence.

NM_014856.3(DENND4B):c.307G>A (p.Val103Ile)

Gene: DENND4B (DENN domain containing 4B; minus strand). Cytogenetic location: 1q21.3.
Variant type: single nucleotide variant.
Coding change: c.307G>A on transcript NM_014856.3 (MANE Select); coding-DNA position 307, G replaced by A.
Protein change: p.Val103Ile; replaces valine 103 with isoleucine.
Molecular consequence: missense variant.
Genome position (GRCh38, 1-based): chr1:153,944,068, C>T on the plus strand (G>A on the coding strand, the complement: DENND4B is on the minus strand). VCF-style: chr1-153944068-C-T. GRCh37 (hg19) VCF-style: chr1-153916544-C-T.
Other names: c.340G>A, p.Val114Ile (NM_001367466.1); short protein forms V114I, V103I.
Identifiers: ClinVar variation 2591016 (VCV002591016.3), dbSNP rs777691803, ClinGen allele CA1122003.